The following is an entry in ClinVar:

NM_001080517.3(SETD5):c.535G>T (p.Gly179Cys)

Gene: SETD5 (SET domain containing 5; plus strand). Cytogenetic location: 3p25.3.
Variant type: single nucleotide variant.
Coding change: c.535G>T on transcript NM_001080517.3 (MANE Select); coding-DNA position 535, G replaced by T.
Protein change: p.Gly179Cys; replaces glycine 179 with cysteine.
Molecular consequence: missense variant.
Genome position (GRCh38, 1-based): chr3:9,435,874, G>T. VCF-style: chr3-9435874-G-T. GRCh37 (hg19) VCF-style: chr3-9477558-G-T.
Other names: c.202G>T, p.Gly68Cys (NM_001292043.2, NM_001349451.2); short protein forms G179C, G68C.
Identifiers: ClinVar variation 1704976 (VCV001704976.2), dbSNP rs2472493021, ClinGen allele CA351684512.

ClinVar aggregate classification (germline): Uncertain significance (1 of 4 stars; one submission).

Submission:

GeneDx
Classification: Uncertain significance. Last evaluated: 2022-03-08. Review status: criteria provided, single submitter. Criteria: GeneDx Variant Classification Process June 2021. Collection method: clinical testing. Allele origin: germline. Affected: yes.
Comment: Not observed at significant frequency in large population cohorts (gnomAD); In silico analysis supports that this missense variant does not alter protein structure/function; Has not been previously published as pathogenic or benign to our knowledge